The following is an entry in ClinVar:

NM_001276270.2(MBD4):c.174C>A (p.Ser58Arg)

Gene: MBD4 (methyl-CpG binding domain 4, DNA glycosylase; minus strand). Cytogenetic location: 3q21.3.
Variant type: single nucleotide variant.
Coding change: c.174C>A on transcript NM_001276270.2 (MANE Select); coding-DNA position 174, C replaced by A.
Protein change: p.Ser58Arg; replaces serine 58 with arginine.
Molecular consequence: missense variant.
Genome position (GRCh38, 1-based): chr3:129,437,881, G>T on the plus strand (C>A on the coding strand, the complement: MBD4 is on the minus strand). VCF-style: chr3-129437881-G-T. GRCh37 (hg19) VCF-style: chr3-129156724-G-T.
Other names: c.174C>A, p.Ser58Arg (NM_001276271.2, NM_001276272.2, NM_001276273.2 and 1 more transcripts); short protein forms S58R.
Identifiers: ClinVar variation 3702003 (VCV003702003.2).

ClinVar aggregate classification (germline): Uncertain significance (1 of 4 stars; one submission).

Submission:

Labcorp Genetics (formerly Invitae), Labcorp
Classification: Uncertain significance. Last evaluated: 2024-08-12. Review status: criteria provided, single submitter. Criteria: Invitae Variant Classification Sherloc (09022015). Collection method: clinical testing. Allele origin: germline.
Comment: This sequence change replaces serine, which is neutral and polar, with arginine, which is basic and polar, at codon 58 of the MBD4 protein (p.Ser58Arg). This variant is not present in population databases (gnomAD no frequency). This variant has not been reported in the literature in individuals affected with MBD4-related conditions. An algorithm developed to predict the effect of missense changes on protein structure and function outputs the following: PolyPhen-2: "Benign". The arginine amino acid residue is found in multiple mammalian species, which suggests that this missense change does not adversely affect protein function. In summary, the available evidence is currently insufficient to determine the role of this variant in disease. Therefore, it has been classified as a Variant of Uncertain Significance.